The following is an entry in ClinVar:

ClinVar aggregate classification (germline): Conflicting classifications of pathogenicity. Review status: criteria provided, conflicting classifications (1 of 4 stars). 4 submissions from 4 submitters: Uncertain significance (3); Likely benign (1). Last evaluated 2026-04-15.

Conditions:
Inherited polyposis and early onset colorectal cancer - germline testing.
Hereditary cancer-predisposing syndrome. Also called: Tumor predisposition; Hereditary Cancer Syndrome; Hereditary neoplastic syndrome; Neoplastic Syndromes, Hereditary. Identifiers: Orphanet 140162, MedGen C0027672, MeSH D009386, MONDO:0015356.

Allele frequency attached by ClinVar (database versions not stated): ExAC 0.00002; gnomAD 0.00002; gnomAD exomes 0.00002; TOPMed 0.00002; 1000 Genomes Project 30x 0.00031; 1000 Genomes Project 0.00040.
gnomAD v4.1: 26 of 1,612,104 alleles (0.0016%); highest among the groups gnomAD compares: Non-Finnish European, 0.002%; no homozygotes.

Submissions (4):

Genomics and Molecular Medicine Service, East Genomic Laboratory Hub, NHS Genomic Medicine Service
Classification: Uncertain significance for Inherited polyposis and early onset colorectal cancer - germline testing. Last evaluated: 2026-04-15. Review status: criteria provided, single submitter. Criteria: ACGS Best Practice Guidelines for Variant Classification in Rare Disease 2020. Collection method: clinical testing. Allele origin: germline. Affected: yes.
Comment: BP4

Labcorp Genetics (formerly Invitae), Labcorp
Classification: Uncertain significance. Last evaluated: 2025-12-10. Review status: criteria provided, single submitter. Criteria: Invitae Variant Classification Sherloc (09022015). Collection method: clinical testing. Allele origin: germline.
Comment: This sequence change replaces proline, which is neutral and non-polar, with threonine, which is neutral and polar, at codon 124 of the NTHL1 protein (p.Pro124Thr). This variant is present in population databases (rs143696592, gnomAD 0.004%). This variant has not been reported in the literature in individuals affected with NTHL1-related conditions. ClinVar contains an entry for this variant (Variation ID: 649509). An algorithm developed to predict the effect of missense changes on protein structure and function (PolyPhen-2) suggests that this variant is likely to be tolerated. In summary, the available evidence is currently insufficient to determine the role of this variant in disease. Therefore, it has been classified as a Variant of Uncertain Significance.

GeneDx
Classification: Uncertain significance. Last evaluated: 2024-09-12. Review status: criteria provided, single submitter. Criteria: GeneDx Variant Classification Process June 2021. Collection method: clinical testing. Allele origin: germline. Affected: yes.
Comment: Not observed at significant frequency in large population cohorts (gnomAD); In silico analysis indicates that this missense variant does not alter protein structure/function; Has not been previously published as pathogenic or benign to our knowledge

Ambry Genetics
Classification: Likely benign for Hereditary cancer-predisposing syndrome. Last evaluated: 2021-11-16. Review status: criteria provided, single submitter. Criteria: Ambry Variant Classification Scheme 2023. Collection method: clinical testing. Allele origin: germline.

NM_002528.7(NTHL1):c.346C>A (p.Pro116Thr)

Gene: NTHL1 (nth like DNA glycosylase 1; minus strand). Cytogenetic location: 16p13.3.
Variant type: single nucleotide variant.
Coding change: c.346C>A on transcript NM_002528.7 (MANE Select); coding-DNA position 346, C replaced by A.
Protein change: p.Pro116Thr; replaces proline 116 with threonine.
Molecular consequence: missense variant. On other transcripts: intron variant (1).
Genome position (GRCh38, 1-based): chr16:2,046,136, G>T on the plus strand (C>A on the coding strand, the complement: NTHL1 is on the minus strand). VCF-style: chr16-2046136-G-T. GRCh37 (hg19) VCF-style: chr16-2096137-G-T.
Other names: c.346C>A, p.Pro116Thr (LRG_1366t1, NM_001318193.2); c.24+144C>A (NM_001318194.2); short protein forms P116T.
Identifiers: ClinVar variation 649509 (VCV000649509.15), dbSNP rs143696592, ClinGen allele CA7828317.